The following is an entry in ClinVar:

NM_000182.5(HADHA):c.1689+2T>G

Genes: GAREM2 (GRB2 associated regulator of MAPK1 subtype 2; plus strand), HADHA (hydroxyacyl-CoA dehydrogenase trifunctional multienzyme complex subunit alpha; minus strand). Cytogenetic location: 2p23.3.
Variant type: single nucleotide variant.
Coding change: c.1689+2T>G on transcript NM_000182.5 (MANE Select); the canonical splice donor site of the intron after coding-DNA position 1689, T replaced by G.
Molecular consequence: splice donor variant.
Genome position (GRCh38, 1-based): chr2:26,194,568, A>C on the plus strand (T>G on the coding strand, the complement: HADHA is on the minus strand). VCF-style: chr2-26194568-A-C. GRCh37 (hg19) VCF-style: chr2-26417437-A-C.
Other names: c.1689+2T>G (NM_000182.4).
Identifiers: ClinVar variation 801655 (VCV000801655.15), dbSNP rs1574602991, ClinGen allele CA346118841.

ClinVar aggregate classification (germline): Pathogenic. Review status: criteria provided, multiple submitters, no conflicts (2 of 4 stars). 6 submissions from 6 submitters: Pathogenic (6). Last evaluated 2025-11-13.

Conditions:
Mitochondrial trifunctional protein deficiency. Identifiers: Orphanet 746, MedGen C1969443, MONDO:0012172.
Long chain 3-hydroxyacyl-CoA dehydrogenase deficiency. Also called: Deficiency of long-chain 3-hydroxyacyl-coenzyme A dehydrogenase; LCHAD Deficiency. Identifiers: Orphanet 5, MedGen C3711645, MONDO:0012173, OMIM 609016.
Mitochondrial trifunctional protein deficiency 1 (MTPD1). Identifiers: MedGen CN376812, MONDO:0958181, OMIM 609015.

Submissions (7):

First Genomix Gene Laboratory, Genetic Diagnostics Department
Classification: Pathogenic for Long chain 3-hydroxyacyl-CoA dehydrogenase deficiency; Mitochondrial trifunctional protein deficiency 1. Last evaluated: 2025-11-13. Review status: criteria provided, single submitter. Criteria: ACMG Guidelines, 2015. Collection method: clinical testing. Allele origin: germline. Inheritance: Autosomal recessive inheritance. Affected: no. Observed: 1 variant allele.

Natera, Inc.
Classification: Pathogenic for Deficiency of long-chain 3-hydroxyacyl-coenzyme A dehydrogenase. Last evaluated: 2025-03-24. Review status: criteria provided, single submitter. Criteria: Natera Variant Classification Schema (03/2026). Collection method: clinical testing. Allele origin: germline.
Comment: The c.1689+2T>G variant in HADHA is a canonical splice donor site variant predicted to affect pre-mRNA splicing, which may result in an abnormal transcript and altered protein product. This variant may result in a truncated or dysfunctional protein product. This variant is rare in the general population with a frequency below the threshold expected for the associated phenotype(s). This variant has been observed in one or more individuals affected with the associated recessive disease, as either homozygous or compound heterozygous with a second variant (PMID: 28515471, 17143551, 29519241). Functional studies show that this variant may disrupt protein function (PMID: 17143551). Given the available evidence, this variant is classified as Pathogenic.

Labcorp Genetics (formerly Invitae), Labcorp
Classification: Pathogenic for Mitochondrial trifunctional protein deficiency; Long chain 3-hydroxyacyl-CoA dehydrogenase deficiency. Last evaluated: 2023-12-26. Review status: criteria provided, single submitter. Criteria: Invitae Variant Classification Sherloc (09022015). Collection method: clinical testing. Allele origin: germline.
Comment: This sequence change affects a donor splice site in intron 16 of the HADHA gene. RNA analysis indicates that disruption of this splice site induces altered splicing and likely results in a shortened protein product. This variant is not present in population databases (gnomAD no frequency). Disruption of this splice site has been observed in individual(s) with clinical features of long-chain 3-hydroxyacyl coenzyme A dehydrogenase deficiency (PMID: 17143551, 27014569). In at least one individual the data is consistent with being in trans (on the opposite chromosome) from a pathogenic variant. It has also been observed to segregate with disease in related individuals. ClinVar contains an entry for this variant (Variation ID: 801655). Studies have shown that disruption of this splice site results in skipping of exon 16, but is expected to preserve the integrity of the reading-frame (PMID: 17143551). For these reasons, this variant has been classified as Pathogenic.

Baylor Genetics
Classification: Pathogenic for Long chain 3-hydroxyacyl-CoA dehydrogenase deficiency. Last evaluated: 2023-07-12. Review status: criteria provided, single submitter. Criteria: ACMG Guidelines, 2015. Collection method: clinical testing. Allele origin: unknown.

Mendelics
Classification: Pathogenic for Mitochondrial trifunctional protein deficiency 1. Last evaluated: 2019-05-28. Review status: criteria provided, single submitter. Criteria: Mendelics Assertion Criteria 2017. Collection method: clinical testing. Allele origin: unknown.

Juno Genomics, Hangzhou Juno Genomics, Inc
Classification: Pathogenic for Mitochondrial trifunctional protein deficiency 1; Long chain 3-hydroxyacyl-CoA dehydrogenase deficiency. Review status: criteria provided, single submitter. Criteria: ACMG Guidelines, 2015. Collection method: clinical testing. Allele origin: germline.
Comment: Null variant in a gene where loss of function (LOF) is a known mechanism of disease.;Absent from controls (or at extremely low frequency if recessive) in Genome Aggregation Database.;For recessive disorders, detected in trans with a pathogenic variant.;Patient's phenotype or family history is highly specific for a disease with a single genetic etiology.;Co-segregation with disease in multiple affected family members.

Dr. Peter K. Rogan Lab, Western University
No classification provided (evidence only). Condition: Hepatocellular carcinoma. Review status: no classification provided. Collection method: in vitro. Allele origin: not applicable. Functional consequence: retained intron. Not counted in ClinVar's aggregate classification.

Literature cited by the submitters: PubMed 28515471 (cited by Natera, Inc.); PubMed 17143551 (cited by Natera, Inc. and Labcorp Genetics (formerly Invitae), Labcorp); PubMed 29519241 (cited by Natera, Inc.); PubMed 27014569 (cited by Labcorp Genetics (formerly Invitae), Labcorp).